The following is an entry in ClinVar:

ClinVar aggregate classification (germline): Uncertain significance (1 of 4 stars; one submission).

Conditions:
Ataxia-telangiectasia syndrome (AT). Also called: Ataxia telangiectasia (A-T); Cerebello-oculocutaneous telangiectasia; Immunodeficiency with ataxia telangiectasia; AT, COMPLEMENTATION GROUP C; ATAXIA-TELANGIECTASIA, COMPLEMENTATION GROUP A; ATAXIA-TELANGIECTASIA, FRESNO VARIANT. Identifiers: Orphanet 100, MedGen C0004135, MONDO:0008840, OMIM 208900.

Allele frequency attached by ClinVar (database versions not stated): gnomAD exomes below 0.00001.
gnomAD v4.1: 1 of 1,613,810 alleles (0.000062%); highest among the groups gnomAD compares: South Asian, 0.0011%; no homozygotes.

Submission:

Labcorp Genetics (formerly Invitae), Labcorp
Classification: Uncertain significance for Ataxia-telangiectasia syndrome. Last evaluated: 2019-02-11. Review status: criteria provided, single submitter. Criteria: Invitae Variant Classification Sherloc (09022015). Collection method: clinical testing. Allele origin: germline.
Comment: This variant is not present in population databases (ExAC no frequency). Algorithms developed to predict the effect of missense changes on protein structure and function output the following: SIFT: "Tolerated"; PolyPhen-2: "Benign"; Align-GVGD: "Class C0". The tyrosine amino acid residue is found in multiple mammalian species, suggesting that this missense change does not adversely affect protein function. These predictions have not been confirmed by published functional studies and their clinical significance is uncertain. This variant has not been reported in the literature in individuals with ATM-related conditions. This sequence change replaces cysteine with tyrosine at codon 1164 of the ATM protein (p.Cys1164Tyr). The cysteine residue is moderately conserved and there is a large physicochemical difference between cysteine and tyrosine. In summary, the available evidence is currently insufficient to determine the role of this variant in disease. Therefore, it has been classified as a Variant of Uncertain Significance.

NM_000051.4(ATM):c.3491G>A (p.Cys1164Tyr)

Gene: ATM (ATM serine/threonine kinase; plus strand). Cytogenetic location: 11q22.3.
Variant type: single nucleotide variant.
Coding change: c.3491G>A on transcript NM_000051.4 (MANE Select); coding-DNA position 3491, G replaced by A.
Protein change: p.Cys1164Tyr; replaces cysteine 1164 with tyrosine.
Molecular consequence: missense variant.
Genome position (GRCh38, 1-based): chr11:108,281,083, G>A. VCF-style: chr11-108281083-G-A. GRCh37 (hg19) VCF-style: chr11-108151810-G-A.
Other names: c.3491G>A, p.Cys1164Tyr (NM_001351834.2); short protein forms C1164Y.
Identifiers: ClinVar variation 859041 (VCV000859041.9), dbSNP rs2082208412, ClinGen allele CA382519637.